The following is an entry in ClinVar:

NM_003000.3(SDHB):c.109C>T (p.Pro37Ser)

Gene: SDHB (succinate dehydrogenase complex iron sulfur subunit B; minus strand). Cytogenetic location: 1p36.13.
Variant type: single nucleotide variant.
Coding change: c.109C>T on transcript NM_003000.3 (MANE Select); coding-DNA position 109, C replaced by T.
Protein change: p.Pro37Ser; replaces proline 37 with serine.
Molecular consequence: missense variant.
Genome position (GRCh38, 1-based): chr1:17,044,852, G>A on the plus strand (C>T on the coding strand, the complement: SDHB is on the minus strand). VCF-style: chr1-17044852-G-A. GRCh37 (hg19) VCF-style: chr1-17371347-G-A.
Other names: c.109C>T (NM_003000.2); short protein forms P37S.
Identifiers: ClinVar variation 1037791 (VCV001037791.7), dbSNP rs761180960, ClinGen allele CA18610390.

ClinVar aggregate classification (germline): Uncertain significance. Review status: criteria provided, multiple submitters, no conflicts (2 of 4 stars). 3 submissions from 3 submitters: Uncertain significance (3). Last evaluated 2025-10-01.

Conditions:
Hereditary pheochromocytoma and paraganglioma. Also called: Hereditary paragangliomas and pheochromocytomas; Hereditary Paraganglioma-Pheochromocytoma Syndromes; Hereditary pheochromocytoma-paraganglioma. Identifiers: Orphanet 29072, MedGen C4274332, MONDO:0017366.
Pheochromocytoma. Also called: MAX-Related Hereditary Paraganglioma-Pheochromocytoma Syndrome. Identifiers: Orphanet 29072, MedGen C0031511, MONDO:0008233, OMIM 171300, HP:0002666.
Gastrointestinal stromal tumor. Also called: Gastrointestinal stromal tumor, somatic; Gastrointestinal stroma tumor. Identifiers: Orphanet 44890, MedGen C0238198, MeSH D046152, MONDO:0011719, OMIM 606764, HP:0100723.
Pheochromocytoma/paraganglioma syndrome 4. Also called: CAROTID BODY TUMORS AND MULTIPLE EXTRAADRENAL PHEOCHROMOCYTOMAS; SDHB-Related Hereditary Paraganglioma-Pheochromocytoma Syndrome (Paragangliomas 4); Paragangliomas 4; SDHB-Related Hereditary Paraganglioma-Pheochromocytoma Syndrome; PARAGANGLIOMA, FAMILIAL MALIGNANT; PARAGANGLIOMAS, HEREDITARY EXTRAADRENAL. Identifiers: Orphanet 29072, MedGen C1861848, MONDO:0007273, OMIM 115310.
Hereditary cancer-predisposing syndrome. Also called: Tumor predisposition; Neoplastic Syndromes, Hereditary; Hereditary neoplastic syndrome; Hereditary Cancer Syndrome. Identifiers: Orphanet 140162, MedGen C0027672, MeSH D009386, MONDO:0015356.

Allele frequency attached by ClinVar (database versions not stated): gnomAD exomes 0.00001.
gnomAD v4.1: 13 of 1,613,976 alleles (0.00081%); highest among the groups gnomAD compares: Non-Finnish European, 0.0011%; no homozygotes.

Submissions (3):

Labcorp Genetics (formerly Invitae), Labcorp
Classification: Uncertain significance for Gastrointestinal stromal tumor; Pheochromocytoma/paraganglioma syndrome 4; Pheochromocytoma. Last evaluated: 2025-10-01. Review status: criteria provided, single submitter. Criteria: Invitae Variant Classification Sherloc (09022015). Collection method: clinical testing. Allele origin: germline.
Comment: This sequence change replaces proline, which is neutral and non-polar, with serine, which is neutral and polar, at codon 37 of the SDHB protein (p.Pro37Ser). This variant is not present in population databases (gnomAD no frequency). This variant has not been reported in the literature in individuals affected with SDHB-related conditions. ClinVar contains an entry for this variant (Variation ID: 1037791). Invitae Evidence Modeling of protein sequence and biophysical properties (such as structural, functional, and spatial information, amino acid conservation, physicochemical variation, residue mobility, and thermodynamic stability) indicates that this missense variant is not expected to disrupt SDHB protein function with a negative predictive value of 95%. In summary, the available evidence is currently insufficient to determine the role of this variant in disease. Therefore, it has been classified as a Variant of Uncertain Significance.

Ambry Genetics
Classification: Uncertain significance for Hereditary cancer-predisposing syndrome. Last evaluated: 2024-12-08. Review status: criteria provided, single submitter. Criteria: Ambry Variant Classification Scheme 2023. Collection method: clinical testing. Allele origin: germline.
Comment: The p.P37S variant (also known as c.109C>T), located in coding exon 2 of the SDHB gene, results from a C to T substitution at nucleotide position 109. The proline at codon 37 is replaced by serine, an amino acid with similar properties. This amino acid position is highly conserved in available vertebrate species. In addition, the in silico prediction for this alteration is inconclusive. Based on the available evidence, the clinical significance of this variant remains unclear.

All of Us Research Program, National Institutes of Health
Classification: Uncertain significance for Hereditary pheochromocytoma and paraganglioma. Last evaluated: 2023-03-04. Review status: criteria provided, single submitter. Criteria: ACMG Guidelines, 2015. Collection method: clinical testing. Allele origin: germline. Inheritance: Autosomal dominant inheritance. Observed: 1 variant allele, 1 heterozygote.
Comment: This study involves interpretation of variants in research participants for the purpose of population health screening. Participant phenotype was not available at the time of variant classification. Additional details can be found in publication PMID: 35346344, PMCID: PMC8962531